The following is an entry in ClinVar:

ClinVar aggregate classification (germline): Pathogenic (1 of 4 stars; one submission).

Submission:

Labcorp Genetics (formerly Invitae), Labcorp
Classification: Pathogenic. Last evaluated: 2023-07-25. Review status: criteria provided, single submitter. Criteria: Invitae Variant Classification Sherloc (09022015). Collection method: clinical testing. Allele origin: unknown.
Comment: This variant has not been reported in the literature in individuals affected with WFS1-related conditions. This variant is a gross deletion of the genomic region encompassing exon(s) 3-5 of the WFS1 gene. This variant would be expected to be in-frame, preserving the integrity of the reading frame. This variant disrupts a region of the WFS1 protein in which other variant(s) (p.Ala126Thr) have been determined to be pathogenic (PMID: 23981289, 26773575, 30957632, 31600780). This suggests that this is a clinically significant region of the protein, and that variants that disrupt it are likely to be disease-causing. For these reasons, this variant has been classified as Pathogenic.

Literature cited by the submitters: PubMed 23981289; PubMed 26773575; PubMed 30957632; PubMed 31600780.

NC_000004.11:g.(?_6288800)_(6293114_?)del

Gene: WFS1 (wolframin ER transmembrane glycoprotein; plus strand). Cytogenetic location: 4p16.1.
Variant type: Deletion.
Identifiers: ClinVar variation 3246742 (VCV003246742.1).